The following is an entry in ClinVar:

NM_005883.3(APC2):c.2721C>G (p.Ser907Arg)

Gene: APC2 (APC regulator of Wnt signaling pathway 2; plus strand). Cytogenetic location: 19p13.3.
Variant type: single nucleotide variant.
Coding change: c.2721C>G on transcript NM_005883.3 (MANE Select); coding-DNA position 2721, C replaced by G.
Protein change: p.Ser907Arg; replaces serine 907 with arginine.
Molecular consequence: missense variant.
Genome position (GRCh38, 1-based): chr19:1,466,022, C>G. VCF-style: chr19-1466022-C-G. GRCh37 (hg19) VCF-style: chr19-1466021-C-G.
Other names: c.2718C>G, p.Ser906Arg (NM_001351273.1); c.2721C>G (NM_005883.2); short protein forms S907R, S906R.
Identifiers: ClinVar variation 2001631 (VCV002001631.7), dbSNP rs545761373, ClinGen allele CA403027785.
Genomic context (GRCh38, chr19:1,466,022, plus strand): 5'-CCGCGCCCAGTCCTGCTCGCCATGCCGCGGCCCGGAGGGCGGGCGGCGAGAGGCAGGAAG[C>G]CGGGCGCACCCGCTGCTGCGGCTCAAGGCGGCCCACGCCAGCCTCTCCAACGACAGCCTC-3'
Protein context (NP_005874.1, residues 897-917): GPEGGRREAG[Ser907Arg]RAHPLLRLKA

ClinVar aggregate classification (germline): Uncertain significance. Review status: criteria provided, multiple submitters, no conflicts (2 of 4 stars). 3 submissions from 3 submitters: Uncertain significance (3). Last evaluated 2025-06-16.

Conditions:
Inborn genetic diseases. Identifiers: MedGen C0950123, MeSH D030342.

Allele frequency attached by ClinVar (database versions not stated): TOPMed 0.00002.

Submissions (3):

Dasa
Classification: Uncertain significance. Last evaluated: 2025-06-16. Review status: criteria provided, single submitter. Criteria: DASA Assertion Criteria. Collection method: clinical testing. Allele origin: germline.
Comment: NM_005883.3(APC2):c.2721C>G (p.Ser907Arg) is a missense variant that results in the substitution of serine with arginine. This variant is rare in population databases. The currently available literature and clinical evidence are not sufficient to establish a definitive association between this variant and the reported condition. Therefore, this variant is classified as a variant of uncertain significance.

Ambry Genetics
Classification: Uncertain significance for Inborn genetic diseases. Last evaluated: 2024-10-25. Review status: criteria provided, single submitter. Criteria: Ambry Variant Classification Scheme 2023. Collection method: clinical testing. Allele origin: germline.

Labcorp Genetics (formerly Invitae), Labcorp
Classification: Uncertain significance. Last evaluated: 2022-08-07. Review status: criteria provided, single submitter. Criteria: Invitae Variant Classification Sherloc (09022015). Collection method: clinical testing. Allele origin: germline.
Comment: This variant has not been reported in the literature in individuals affected with APC2-related conditions. This variant is not present in population databases (gnomAD no frequency). This sequence change replaces serine, which is neutral and polar, with arginine, which is basic and polar, at codon 907 of the APC2 protein (p.Ser907Arg). In summary, the available evidence is currently insufficient to determine the role of this variant in disease. Therefore, it has been classified as a Variant of Uncertain Significance. Algorithms developed to predict the effect of missense changes on protein structure and function (SIFT, PolyPhen-2, Align-GVGD) all suggest that this variant is likely to be tolerated.